The following is an entry in ClinVar:

ClinVar aggregate classification (germline): Uncertain significance (1 of 4 stars; one submission).

Conditions:
Inborn genetic diseases. Identifiers: MedGen C0950123, MeSH D030342.

gnomAD v4.1: 1 of 1,612,126 alleles (0.000062%); highest among the groups gnomAD compares: Non-Finnish European, 0.000085%; no homozygotes.

Submission:

Ambry Genetics
Classification: Uncertain significance for Inborn genetic diseases. Last evaluated: 2026-03-28. Review status: criteria provided, single submitter. Criteria: Ambry Variant Classification Scheme 2023. Collection method: clinical testing. Allele origin: germline.
Comment: The p.K958N variant (also known as c.2874G>T), located in coding exon 24 of the ANKRD26 gene, results from a G to T substitution at nucleotide position 2874. The lysine at codon 958 is replaced by asparagine, an amino acid with similar properties. This amino acid position is conserved. In addition, this alteration is predicted to be tolerated by in silico analysis. Based on the available evidence, the clinical significance of this variant remains unclear.

NM_014915.3(ANKRD26):c.2874G>T (p.Lys958Asn)

Gene: ANKRD26 (ankyrin repeat domain 26; minus strand). Cytogenetic location: 10p12.1.
Variant type: single nucleotide variant.
Coding change: c.2874G>T on transcript NM_014915.3 (MANE Select); coding-DNA position 2874, G replaced by T.
Protein change: p.Lys958Asn; replaces lysine 958 with asparagine.
Molecular consequence: missense variant.
Genome position (GRCh38, 1-based): chr10:27,035,576, C>A on the plus strand (G>T on the coding strand, the complement: ANKRD26 is on the minus strand). VCF-style: chr10-27035576-C-A. GRCh37 (hg19) VCF-style: chr10-27324505-C-A.
Other names: c.2871G>T, p.Lys957Asn (NM_001256053.2); short protein forms K957N, K958N.
Identifiers: ClinVar variation 4859164 (VCV004859164.1).